The following is an entry in ClinVar:

ClinVar aggregate classification (germline): Uncertain significance (1 of 4 stars; one submission).

Conditions:
Charcot-Marie-Tooth disease type 4. Also called: Charcot-Marie-Tooth disease, type IV; Charcot-Marie-Tooth, Type 4. Identifiers: Orphanet 64749, MedGen C4082197, MONDO:0018995.

Allele frequency attached by ClinVar (database versions not stated): TOPMed below 0.00001.
gnomAD v4.1: 1 of 1,614,176 alleles (0.000062%); highest among the groups gnomAD compares: Non-Finnish European, 0.000085%; no homozygotes.

Submission:

Labcorp Genetics (formerly Invitae), Labcorp
Classification: Uncertain significance for Charcot-Marie-Tooth disease type 4. Last evaluated: 2025-05-05. Review status: criteria provided, single submitter. Criteria: Invitae Variant Classification Sherloc (09022015). Collection method: clinical testing. Allele origin: germline.
Comment: This sequence change replaces glycine, which is neutral and non-polar, with glutamic acid, which is acidic and polar, at codon 316 of the SH3TC2 protein (p.Gly316Glu). This variant is not present in population databases (gnomAD no frequency). This variant has not been reported in the literature in individuals affected with SH3TC2-related conditions. ClinVar contains an entry for this variant (Variation ID: 1451109). Invitae Evidence Modeling of protein sequence and biophysical properties (such as structural, functional, and spatial information, amino acid conservation, physicochemical variation, residue mobility, and thermodynamic stability) has been performed for this missense variant. However, the output from this modeling did not meet the statistical confidence thresholds required to predict the impact of this variant on SH3TC2 protein function. In summary, the available evidence is currently insufficient to determine the role of this variant in disease. Therefore, it has been classified as a Variant of Uncertain Significance.

NM_024577.4(SH3TC2):c.947G>A (p.Gly316Glu)

Gene: SH3TC2 (SH3 domain and tetratricopeptide repeats 2; minus strand). Cytogenetic location: 5q32.
Variant type: single nucleotide variant.
Coding change: c.947G>A on transcript NM_024577.4 (MANE Select); coding-DNA position 947, G replaced by A.
Protein change: p.Gly316Glu; replaces glycine 316 with glutamic acid.
Molecular consequence: missense variant.
Genome position (GRCh38, 1-based): chr5:149,038,349, C>T on the plus strand (G>A on the coding strand, the complement: SH3TC2 is on the minus strand). VCF-style: chr5-149038349-C-T. GRCh37 (hg19) VCF-style: chr5-148417912-C-T.
Other names: short protein forms G316E.
Identifiers: ClinVar variation 1451109 (VCV001451109.4), dbSNP rs1251082752, ClinGen allele CA361672543.